The following is an entry in ClinVar:

ClinVar aggregate classification (germline): Conflicting classifications of pathogenicity. Review status: criteria provided, conflicting classifications (1 of 4 stars). 2 submissions from 2 submitters: Uncertain significance (1); Likely benign (1). Last evaluated 2025-08-30.

Conditions:
Hereditary cancer-predisposing syndrome. Also called: Neoplastic Syndromes, Hereditary; Tumor predisposition; Hereditary Cancer Syndrome; Hereditary neoplastic syndrome. Identifiers: Orphanet 140162, MedGen C0027672, MeSH D009386, MONDO:0015356.
Familial cancer of breast. Also called: BREAST CANCER, FAMILIAL; Hereditary breast cancer; hereditary breast carcinoma. Identifiers: Orphanet 227535, MedGen C0346153, MONDO:0016419, OMIM 114480. Disease mechanism: loss of function.

Submissions (2):

Labcorp Genetics (formerly Invitae), Labcorp
Classification: Uncertain significance for Familial cancer of breast. Last evaluated: 2025-08-30. Review status: criteria provided, single submitter. Criteria: Invitae Variant Classification Sherloc (09022015). Collection method: clinical testing. Allele origin: germline.
Comment: This sequence change replaces proline, which is neutral and non-polar, with threonine, which is neutral and polar, at codon 338 of the PALB2 protein (p.Pro338Thr). This variant is not present in population databases (gnomAD no frequency). This variant has not been reported in the literature in individuals affected with PALB2-related conditions. ClinVar contains an entry for this variant (Variation ID: 482053). Invitae Evidence Modeling of protein sequence and biophysical properties (such as structural, functional, and spatial information, amino acid conservation, physicochemical variation, residue mobility, and thermodynamic stability) indicates that this missense variant is not expected to disrupt PALB2 protein function with a negative predictive value of 80%. In summary, the available evidence is currently insufficient to determine the role of this variant in disease. Therefore, it has been classified as a Variant of Uncertain Significance.

Ambry Genetics
Classification: Likely benign for Hereditary cancer-predisposing syndrome. Last evaluated: 2024-08-20. Review status: criteria provided, single submitter. Criteria: Ambry Variant Classification Scheme 2023. Collection method: clinical testing. Allele origin: germline.

NM_024675.4(PALB2):c.1012C>A (p.Pro338Thr)

Gene: PALB2 (partner and localizer of BRCA2; minus strand). Cytogenetic location: 16p12.2.
Variant type: single nucleotide variant.
Coding change: c.1012C>A on transcript NM_024675.4 (MANE Select); coding-DNA position 1012, C replaced by A.
Protein change: p.Pro338Thr; replaces proline 338 with threonine.
Molecular consequence: missense variant.
Genome position (GRCh38, 1-based): chr16:23,635,534, G>T on the plus strand (C>A on the coding strand, the complement: PALB2 is on the minus strand). VCF-style: chr16-23635534-G-T. GRCh37 (hg19) VCF-style: chr16-23646855-G-T.
Other names: short protein forms P338T.
Identifiers: ClinVar variation 482053 (VCV000482053.15), dbSNP rs560853558, ClinGen allele CA395134450.